The following is an entry in ClinVar:

NM_000090.4(COL3A1):c.2221G>T (p.Gly741Cys)

Gene: COL3A1 (collagen type III alpha 1 chain; plus strand). Cytogenetic location: 2q32.2.
Variant type: single nucleotide variant.
Coding change: c.2221G>T on transcript NM_000090.4 (MANE Select); coding-DNA position 2221, G replaced by T.
Protein change: p.Gly741Cys; replaces glycine 741 with cysteine.
Molecular consequence: missense variant.
Genome position (GRCh38, 1-based): chr2:188,999,569, G>T. VCF-style: chr2-188999569-G-T. GRCh37 (hg19) VCF-style: chr2-189864295-G-T.
Other names: short protein forms G741C.
Identifiers: ClinVar variation 429978 (VCV000429978.6), dbSNP rs587779685, ClinGen allele CA349840969.

ClinVar aggregate classification (germline): Pathogenic. Review status: criteria provided, multiple submitters, no conflicts (2 of 4 stars). 2 submissions from 2 submitters: Pathogenic (2). Last evaluated 2017-08-30.

Conditions:
Familial thoracic aortic aneurysm and aortic dissection (TAAD). Also called: Thoracic aortic aneurysms and dissections. Identifiers: Orphanet 91387, MedGen C4707243, MONDO:0019625.

Submissions (2):

Ambry Genetics
Classification: Pathogenic for Familial thoracic aortic aneurysm and aortic dissection. Last evaluated: 2017-08-30. Review status: criteria provided, single submitter. Criteria: Ambry Variant Classification Scheme 2023. Collection method: clinical testing. Allele origin: germline.
Comment: The p.G741C pathogenic mutation (also known as c.2221G>T), located in coding exon 31 of the COL3A1 gene, results from a G to T substitution at nucleotide position 2221. The glycine at codon 741 is replaced by cysteine, an amino acid with highly dissimilar properties. The majority (approximately two-thirds) of COL3A1 mutations identified to date have involved the substitution of another amino acid for glycine within the triple-helical domain (Pepin MG et al. Genet Med. 2014;16:881-8; Frank M et al. Eur J Hum Genet. 2015;23:1657-64). This particular glycine substitution has been reported in an individual with Ehlers-Danlos syndrome type IV (vascular type), and dermal fibroblasts from that individual have been shown to secrete reduced amounts of COL3A1 (Inokuchi R et al. Medicine (Baltimore). 2014;93:e291). Internal structural analysis has demonstrated that this alteration disrupts the characteristic G-X-Y motif in the COL3A1 protein and inserts a bulky side chain into a sterically-constrained region (Bella J et al. Science. 1994;266:75-81; Hohenester E et al. Proc. Natl. Acad. Sci. U.S.A. 2008;105:18273-7). In addition, two alterations in the same codon, p.G741S and p.G741D, have also been associated with Ehlers-Danlos syndrome (Morissette R et al. Circ Cardiovasc Genet. 2014;7:80-8; Frank M et al. Eur. J. Hum. Genet. 2015;23:1657-64). Based on the supporting evidence, this alteration is interpreted as a disease-causing mutation.

GeneDx
Classification: Pathogenic. Last evaluated: 2017-05-11. Review status: criteria provided, single submitter. Criteria: GeneDx Variant Classification (06012015). Collection method: clinical testing. Allele origin: germline. Affected: yes.
Comment: The G741C pathogenic variant in the COL3A1 gene has been previously reported in one individual diagnosed with vascular Ehlers-Danlos syndrome (vEDS, EDS IV) (Inokuchi et al., 2014). Additionally, Inokuchi et al. (2014) analyzed cultured fibroblasts from this patient which revealed a significant reduction in the secretion of the alpha-1 chain of type III collagen. The G741C variant is also not observed in large population cohorts (Lek et al., 2016; 1000 Genomes Consortium et al., 2015; Exome Variant Server). The G741C variant is a non-conservative amino acid substitution, which is likely to impact secondary protein structure as these residues differ in polarity, charge, size and/or other properties. This substitution occurs within the triple helical region of the COL3A1 gene at a position that is conserved across species, and in silico analysis predicts this variant is probably damaging to the protein structure/function. Furthermore, the G741C variant affects a Glycine residue in a Gly-X-Y motif in the triple helical region of the COL3A1 gene, where the majority of pathogenic missense variants occur (Stenson et al., 2014; Symoens et al., 2012). Substitution of the triplet glycine residue is a well-established pathogenic mechanism for vEDS (Pepin et al., 2015), as further supported by the report of several other triplet glycine substitutions in this region (G726R, G726E, G729R, G729E, G732R, G732V, G735R, G738C, G738S, G738V, G744V, G744A, G744E) in association with vEDS (Stenson et al., 2014).

Literature cited by the submitters: PubMed 24399159 (cited by Ambry Genetics); PubMed 24922459 (cited by Ambry Genetics); PubMed 25526469 (cited by Ambry Genetics).